The following is an entry in ClinVar:

NM_172107.4(KCNQ2):c.1689C>G (p.Asp563Glu)

Gene: KCNQ2 (potassium voltage-gated channel subfamily Q member 2; minus strand). Cytogenetic location: 20q13.33.
Variant type: single nucleotide variant.
Coding change: c.1689C>G on transcript NM_172107.4 (MANE Select); coding-DNA position 1689, C replaced by G.
Protein change: p.Asp563Glu; replaces aspartic acid 563 with glutamic acid.
Molecular consequence: missense variant.
Genome position (GRCh38, 1-based): chr20:63,413,524, G>C on the plus strand (C>G on the coding strand, the complement: KCNQ2 is on the minus strand). VCF-style: chr20-63413524-G-C. GRCh37 (hg19) VCF-style: chr20-62044877-G-C.
Other names: c.1605C>G, p.Asp535Glu (NM_004518.6); c.1635C>G, p.Asp545Glu (NM_172106.3); c.1596C>G, p.Asp532Glu (NM_172108.5); short protein forms D563E, D532E, D535E, D545E.
Identifiers: ClinVar variation 369806 (VCV000369806.2), dbSNP rs35450031, ClinGen allele CA10654782.
Genomic context (GRCh38, chr20:63,413,524, plus strand): 5'-CTTAATTCGGGACAGCATGTCCAGGTGGCCGGCTGAGTACTGCTCGATGACGTCCATCAC[G>C]TCGTAGGGCCGCAGGCTCTCCTTGAACTTCCGCTTGGACACCAGGAACCGCATGACACTG-3'
Protein context (NP_742105.1, residues 553-573): RKFKESLRPY[Asp563Glu]VMDVIEQYSA

ClinVar aggregate classification (germline): not provided (0 of 4 stars; one submission).

Conditions:
Developmental and epileptic encephalopathy, 7 (DEE7). Also called: KCNQ2-Related Neonatal Epileptic Encephalopathy; Early infantile epileptic encephalopathy 7; KCNQ2-Related Neonatal-Onset Developmental and Epileptic Encephalopathy (NEO-DEE). Identifiers: Orphanet 439218, MedGen C3150986, MONDO:0013387, OMIM 613720.

Submission:

GeneReviews
No classification provided. Condition: Developmental and epileptic encephalopathy, 7. Review status: no classification provided. Collection method: literature only. Allele origin: germline. Affected: yes.
Comment: EE (epileptic encephalopathy)

Literature cited by the submitters: PubMed 23621294; NCBI Bookshelf NBK32534.